The following is an entry in ClinVar:

ClinVar aggregate classification (germline): Likely benign. Review status: criteria provided, single submitter (1 of 4 stars). 2 submissions from 2 submitters: Likely benign (1). 1 of the submissions does not count toward it. Last evaluated 2025-06-12.

Conditions:
FRAS1-related disorder. Also called: FRAS1-related condition.

Allele frequency attached by ClinVar (database versions not stated): ExAC 0.00001; gnomAD exomes 0.00002; ESP Exome Variant Server 0.00008; gnomAD 0.00015 and 0.00017.
gnomAD v4.1: 37 of 1,613,492 alleles (0.0023%); highest among the groups gnomAD compares: African/African-American, 0.044%; no homozygotes.

Submissions (2):

Labcorp Genetics (formerly Invitae), Labcorp
Classification: Likely benign. Last evaluated: 2025-06-12. Review status: criteria provided, single submitter. Criteria: Invitae Variant Classification Sherloc (09022015). Collection method: clinical testing. Allele origin: germline.

PreventionGenetics, part of Exact Sciences
Classification: Likely benign for FRAS1-related condition. Last evaluated: 2024-06-10. Review status: no assertion criteria provided. Collection method: clinical testing. Allele origin: germline. Not counted in ClinVar's aggregate classification.
Comment: This variant is classified as likely benign based on ACMG/AMP sequence variant interpretation guidelines (Richards et al. 2015 PMID: 25741868, with internal and published modifications).

NM_025074.7(FRAS1):c.4032G>T (p.Gly1344=)

Gene: FRAS1 (Fraser extracellular matrix complex subunit 1; plus strand). Cytogenetic location: 4q21.21.
Variant type: single nucleotide variant.
Coding change: c.4032G>T on transcript NM_025074.7 (MANE Select); coding-DNA position 4032, G replaced by T.
Protein change: p.Gly1344=; no amino-acid change (glycine 1344 retained).
Molecular consequence: synonymous variant.
Genome position (GRCh38, 1-based): chr4:78,400,790, G>T. VCF-style: chr4-78400790-G-T. GRCh37 (hg19) VCF-style: chr4-79321944-G-T.
Other names: c.4032G>T, p.Gly1344= (NM_001166133.2); c.4032G>T (NM_025074.6).
Identifiers: ClinVar variation 1437332 (VCV001437332.9), dbSNP rs371941648, ClinGen allele CA2977079.